The following is an entry in ClinVar:

NM_024334.3(TMEM43):c.483C>T (p.Phe161=)

Gene: TMEM43 (transmembrane protein 43; plus strand). Cytogenetic location: 3p25.1.
Variant type: single nucleotide variant.
Coding change: c.483C>T on transcript NM_024334.3 (MANE Select); coding-DNA position 483, C replaced by T.
Protein change: p.Phe161=; no amino-acid change (phenylalanine 161 retained).
Molecular consequence: synonymous variant.
Genome position (GRCh38, 1-based): chr3:14,132,906, C>T. VCF-style: chr3-14132906-C-T. GRCh37 (hg19) VCF-style: chr3-14174406-C-T.
Identifiers: ClinVar variation 926361 (VCV000926361.11), dbSNP rs772842801, ClinGen allele CA053920.

ClinVar aggregate classification (germline): Likely benign. Review status: criteria provided, multiple submitters, no conflicts (2 of 4 stars). 4 submissions from 4 submitters: Likely benign (4). Last evaluated 2025-12-15.

Conditions:
Arrhythmogenic right ventricular dysplasia 5. Also called: Arrhythmogenic Right Ventricular Dysplasia/Cardiomyopathy 5; ARRHYTHMOGENIC RIGHT VENTRICULAR DYSPLASIA, FAMILIAL, 5. Identifiers: MedGen C1858379, MONDO:0011459, OMIM 604400.
Cardiovascular phenotype. Identifiers: MedGen CN230736.
Cardiomyopathy (CMYO). Also called: Cardiomyopathies. Identifiers: Orphanet 167848, MedGen C0878544, MONDO:0004994, HP:0001638. Inheritance: Various modes of inheritance.

Allele frequency attached by ClinVar (database versions not stated): gnomAD 0.00001; TOPMed 0.00002; gnomAD exomes 0.00003 and 0.00005; ExAC 0.00004.
gnomAD v4.1: 37 of 1,613,916 alleles (0.0023%); highest among the groups gnomAD compares: South Asian, 0.031%; no homozygotes.

Submissions (4):

Labcorp Genetics (formerly Invitae), Labcorp
Classification: Likely benign for Arrhythmogenic right ventricular dysplasia 5. Last evaluated: 2025-12-15. Review status: criteria provided, single submitter. Criteria: Invitae Variant Classification Sherloc (09022015). Collection method: clinical testing. Allele origin: germline.

Ambry Genetics
Classification: Likely benign for Cardiovascular phenotype. Last evaluated: 2024-06-21. Review status: criteria provided, single submitter. Criteria: Ambry Variant Classification Scheme 2023. Collection method: clinical testing. Allele origin: germline.

All of Us Research Program, National Institutes of Health
Classification: Likely benign for Arrhythmogenic right ventricular dysplasia 5. Last evaluated: 2023-05-16. Review status: criteria provided, single submitter. Criteria: ACMG Guidelines, 2015. Collection method: clinical testing. Allele origin: germline. Inheritance: Autosomal dominant inheritance. Observed: 1 variant allele, 1 heterozygote.
Comment: This study involves interpretation of variants in research participants for the purpose of population health screening. Participant phenotype was not available at the time of variant classification. Additional details can be found in publication PMID: 35346344, PMCID: PMC8962531

Color Diagnostics, LLC DBA Color Health
Classification: Likely benign for Cardiomyopathy. Last evaluated: 2019-02-21. Review status: criteria provided, single submitter. Criteria: ACMG Guidelines, 2015. Collection method: clinical testing. Allele origin: germline.